The following is an entry in ClinVar:

ClinVar aggregate classification (germline): Uncertain significance (1 of 4 stars; one submission).

Submission:

GeneDx
Classification: Uncertain significance. Last evaluated: 2024-09-17. Review status: criteria provided, single submitter. Criteria: GeneDx Variant Classification Process June 2021. Collection method: clinical testing. Allele origin: germline. Affected: yes.
Comment: Not observed at significant frequency in large population cohorts (gnomAD); In silico analysis indicates that this missense variant does not alter protein structure/function; Has not been previously published as pathogenic or benign to our knowledge; This variant is associated with the following publications: (PMID: 24894818)

NM_002485.5(NBN):c.2071G>C (p.Val691Leu)

Gene: NBN (nibrin; minus strand). Cytogenetic location: 8q21.3.
Variant type: single nucleotide variant.
Coding change: c.2071G>C on transcript NM_002485.5 (MANE Select); coding-DNA position 2071, G replaced by C.
Protein change: p.Val691Leu; replaces valine 691 with leucine.
Molecular consequence: missense variant.
Genome position (GRCh38, 1-based): chr8:89,943,366, C>G on the plus strand (G>C on the coding strand, the complement: NBN is on the minus strand). VCF-style: chr8-89943366-C-G. GRCh37 (hg19) VCF-style: chr8-90955594-C-G.
Other names: c.1825G>C, p.Val609Leu (NM_001024688.3); short protein forms V609L, V691L.
Identifiers: ClinVar variation 3769785 (VCV003769785.1).